The following is an entry in ClinVar:

NM_001145026.2(PTPRQ):c.2408A>G (p.Asn803Ser)

Gene: PTPRQ (protein tyrosine phosphatase receptor type Q; plus strand). Cytogenetic location: 12q21.31.
Variant type: single nucleotide variant.
Coding change: c.2408A>G on transcript NM_001145026.2 (MANE Select); coding-DNA position 2408, A replaced by G.
Protein change: p.Asn803Ser; replaces asparagine 803 with serine.
Molecular consequence: missense variant.
Genome position (GRCh38, 1-based): chr12:80,506,159, A>G. VCF-style: chr12-80506159-A-G. GRCh37 (hg19) VCF-style: chr12-80899938-A-G.
Other names: short protein forms N803S.
Identifiers: ClinVar variation 1804507 (VCV001804507.1), dbSNP rs938059339, ClinGen allele CA240224852.

ClinVar aggregate classification (germline): Uncertain significance (1 of 4 stars; one submission).

Allele frequency attached by ClinVar (database versions not stated): gnomAD exomes below 0.00001; gnomAD 0.00001; TOPMed 0.00001.
gnomAD v4.1: 5 of 1,531,224 alleles (0.00033%); highest among the groups gnomAD compares: East Asian, 0.0025%; no homozygotes.

Submission:

GeneDx
Classification: Uncertain significance. Last evaluated: 2022-06-16. Review status: criteria provided, single submitter. Criteria: GeneDx Variant Classification Process June 2021. Collection method: clinical testing. Allele origin: germline. Affected: yes.
Comment: Not observed at significant frequency in large population cohorts (gnomAD); In silico analysis supports that this missense variant does not alter protein structure/function; Has not been previously published as pathogenic or benign to our knowledge